The following is an entry in ClinVar:

NM_006269.2(RP1):c.1414G>A (p.Glu472Lys)

Gene: RP1 (RP1 axonemal microtubule associated; plus strand). Cytogenetic location: 8q12.1.
Variant type: single nucleotide variant.
Coding change: c.1414G>A on transcript NM_006269.2 (MANE Select); coding-DNA position 1414, G replaced by A.
Protein change: p.Glu472Lys; replaces glutamic acid 472 with lysine.
Molecular consequence: missense variant. On other transcripts: intron variant (1).
Genome position (GRCh38, 1-based): chr8:54,625,296, G>A. VCF-style: chr8-54625296-G-A. GRCh37 (hg19) VCF-style: chr8-55537856-G-A.
Other names: c.787+3008G>A (NM_001375654.1); short protein forms E472K.
Identifiers: ClinVar variation 962799 (VCV000962799.9), dbSNP rs1806003101, ClinGen allele CA370990263.

ClinVar aggregate classification (germline): Uncertain significance (1 of 4 stars; one submission).

Submission:

Labcorp Genetics (formerly Invitae), Labcorp
Classification: Uncertain significance. Last evaluated: 2020-07-30. Review status: criteria provided, single submitter. Criteria: Invitae Variant Classification Sherloc (09022015). Collection method: clinical testing. Allele origin: germline.
Comment: In summary, the available evidence is currently insufficient to determine the role of this variant in disease. Therefore, it has been classified as a Variant of Uncertain Significance. Algorithms developed to predict the effect of missense changes on protein structure and function (SIFT, PolyPhen-2, Align-GVGD) all suggest that this variant is likely to be disruptive, but these predictions have not been confirmed by published functional studies and their clinical significance is uncertain. This variant has not been reported in the literature in individuals with RP1-related conditions. This variant is not present in population databases (ExAC no frequency). This sequence change replaces glutamic acid with lysine at codon 472 of the RP1 protein (p.Glu472Lys). The glutamic acid residue is highly conserved and there is a small physicochemical difference between glutamic acid and lysine.